The following is an entry in ClinVar:

ClinVar aggregate classification (germline): Conflicting classifications of pathogenicity. Review status: criteria provided, conflicting classifications (1 of 4 stars). 2 submissions from 2 submitters: Uncertain significance (1); Likely benign (1). Last evaluated 2024-01-17.

Conditions:
Inborn genetic diseases. Identifiers: MedGen C0950123, MeSH D030342.

Allele frequency attached by ClinVar (database versions not stated): gnomAD exomes 0.00002 and 0.00009; gnomAD 0.00003; TOPMed 0.00003; ExAC 0.00014; 1000 Genomes Project 30x 0.00016; 1000 Genomes Project 0.00020.
gnomAD v4.1: 40 of 1,610,108 alleles (0.0025%); highest among the groups gnomAD compares: East Asian, 0.056%; no homozygotes.

Submissions (2):

Labcorp Genetics (formerly Invitae), Labcorp
Classification: Uncertain significance. Last evaluated: 2024-01-17. Review status: criteria provided, single submitter. Criteria: Invitae Variant Classification Sherloc (09022015). Collection method: clinical testing. Allele origin: germline.
Comment: This sequence change replaces glutamic acid, which is acidic and polar, with lysine, which is basic and polar, at codon 708 of the LTBP2 protein (p.Glu708Lys). This variant is present in population databases (rs554002446, gnomAD 0.1%). This variant has not been reported in the literature in individuals affected with LTBP2-related conditions. ClinVar contains an entry for this variant (Variation ID: 1401883). Algorithms developed to predict the effect of missense changes on protein structure and function output the following: SIFT: "Not Available"; PolyPhen-2: "Benign"; Align-GVGD: "Not Available". The lysine amino acid residue is found in multiple mammalian species, which suggests that this missense change does not adversely affect protein function. In summary, the available evidence is currently insufficient to determine the role of this variant in disease. Therefore, it has been classified as a Variant of Uncertain Significance.

Ambry Genetics
Classification: Likely benign for Inborn genetic diseases. Last evaluated: 2023-05-03. Review status: criteria provided, single submitter. Criteria: Ambry Variant Classification Scheme 2023. Collection method: clinical testing. Allele origin: germline.

NM_000428.3(LTBP2):c.2122G>A (p.Glu708Lys)

Gene: LTBP2 (latent transforming growth factor beta binding protein 2; minus strand). Cytogenetic location: 14q24.3.
Variant type: single nucleotide variant.
Coding change: c.2122G>A on transcript NM_000428.3 (MANE Select); coding-DNA position 2122, G replaced by A.
Protein change: p.Glu708Lys; replaces glutamic acid 708 with lysine.
Molecular consequence: missense variant.
Genome position (GRCh38, 1-based): chr14:74,528,988, C>T on the plus strand (G>A on the coding strand, the complement: LTBP2 is on the minus strand). VCF-style: chr14-74528988-C-T. GRCh37 (hg19) VCF-style: chr14-74995691-C-T.
Other names: c.2122G>A (NM_000428.2); short protein forms E708K.
Identifiers: ClinVar variation 1401883 (VCV001401883.7), dbSNP rs554002446, ClinGen allele CA7269643.